The following is an entry in ClinVar:

NM_032119.4(ADGRV1):c.9496T>G (p.Tyr3166Asp)

Gene: ADGRV1 (adhesion G protein-coupled receptor V1; plus strand). Cytogenetic location: 5q14.3.
Variant type: single nucleotide variant.
Coding change: c.9496T>G on transcript NM_032119.4 (MANE Select); coding-DNA position 9496, T replaced by G.
Protein change: p.Tyr3166Asp; replaces tyrosine 3166 with aspartic acid.
Molecular consequence: missense variant. On other transcripts: non-coding transcript variant (1).
Genome position (GRCh38, 1-based): chr5:90,720,096, T>G. VCF-style: chr5-90720096-T-G. GRCh37 (hg19) VCF-style: chr5-90015913-T-G.
Other names: short protein forms Y3166D.
Identifiers: ClinVar variation 389681 (VCV000389681.11), dbSNP rs371646432, ClinGen allele CA3340522.

ClinVar aggregate classification (germline): Conflicting classifications of pathogenicity. Review status: criteria provided, conflicting classifications (1 of 4 stars). 4 submissions from 4 submitters: Uncertain significance (2); Benign (1); Likely benign (1). Last evaluated 2026-02-04.

Conditions:
ADGRV1-related disorder. Also called: ADGRV1-related disorders; ADGRV1-related condition.

Allele frequency attached by ClinVar (database versions not stated): gnomAD exomes 0.00002 and 0.00006; ExAC 0.00008; ESP Exome Variant Server 0.00008; gnomAD 0.00025 and 0.00029; TOPMed 0.00037.
gnomAD v4.1: 76 of 1,613,636 alleles (0.0047%); highest among the groups gnomAD compares: African/African-American, 0.079%; no homozygotes.

Submissions (4):

Labcorp Genetics (formerly Invitae), Labcorp
Classification: Benign. Last evaluated: 2026-02-04. Review status: criteria provided, single submitter. Criteria: Invitae Variant Classification Sherloc (09022015). Collection method: clinical testing. Allele origin: germline.

PreventionGenetics, part of Exact Sciences
Classification: Uncertain significance for ADGRV1-related condition. Last evaluated: 2025-10-10. Review status: criteria provided, single submitter. Criteria: ACMG Guidelines, 2015. Collection method: clinical testing. Allele origin: germline.
Comment: The ADGRV1 c.9496T>G variant is predicted to result in the amino acid substitution p.Tyr3166Asp. To our knowledge, this variant has not been reported in the literature. This variant is reported in 0.099% of alleles in individuals of African descent in gnomAD. Although we suspect that this variant may be benign, at this time, the clinical significance of this variant is uncertain due to the absence of conclusive functional and genetic evidence.

Blueprint Genetics
Classification: Uncertain significance. Last evaluated: 2024-11-26. Review status: criteria provided, single submitter. Criteria: ACMG Guidelines, 2015. Collection method: clinical testing. Allele origin: germline.

GeneDx
Classification: Likely benign. Last evaluated: 2016-11-10. Review status: criteria provided, single submitter. Criteria: GeneDx Variant Classification (06012015). Collection method: clinical testing. Allele origin: germline. Affected: yes.
Comment: This variant is considered likely benign or benign based on one or more of the following criteria: it is a conservative change, it occurs at a poorly conserved position in the protein, it is predicted to be benign by multiple in silico algorithms, and/or has population frequency not consistent with disease.